The following is an entry in ClinVar:

NM_000368.5(TSC1):c.2341C>T (p.Gln781Ter)

Gene: TSC1 (TSC complex subunit 1; minus strand). Cytogenetic location: 9q34.13.
Variant type: single nucleotide variant.
Coding change: c.2341C>T on transcript NM_000368.5 (MANE Select); coding-DNA position 2341, C replaced by T.
Protein change: p.Gln781Ter; replaces glutamine 781 with a stop codon.
Molecular consequence: nonsense.
Genome position (GRCh38, 1-based): chr9:132,902,655, G>A on the plus strand (C>T on the coding strand, the complement: TSC1 is on the minus strand). VCF-style: chr9-132902655-G-A. GRCh37 (hg19) VCF-style: chr9-135778042-G-A.
Other names: c.2338C>T, p.Gln780Ter (NM_001162426.2); c.2188C>T, p.Gln730Ter (NM_001162427.2); c.1978C>T, p.Gln660Ter (NM_001362177.2); short protein forms Q781*, Q660*, Q730*, Q780*.
Identifiers: ClinVar variation 48941 (VCV000048941.15), dbSNP rs118203680, ClinGen allele CA006322.

ClinVar aggregate classification (germline): Pathogenic. Review status: criteria provided, multiple submitters, no conflicts (2 of 4 stars). 6 submissions from 6 submitters: Pathogenic (5). 1 of the submissions does not count toward it. Last evaluated 2025-07-28.

Conditions:
TSC1-related disorder. Also called: TSC1-related condition.
Hereditary cancer-predisposing syndrome. Also called: Tumor predisposition; Neoplastic Syndromes, Hereditary; Hereditary neoplastic syndrome; Hereditary Cancer Syndrome. Identifiers: Orphanet 140162, MedGen C0027672, MeSH D009386, MONDO:0015356.
Lymphangiomyomatosis (LAM). Also called: Lymphangioleiomyomatosis; Lymphangioleiomyomatosis, somatic. Identifiers: Orphanet 538, MedGen C0751674, MONDO:0011705, OMIM 606690.
Tuberous sclerosis 1 (TSC1). Identifiers: Orphanet 805, MedGen C1854465, MONDO:0008612, OMIM 191100.
Isolated focal cortical dysplasia type II (FCORD2). Also called: CORTICAL DYSPLASIA OF TAYLOR; Focal cortical dysplasia type II. Identifiers: Orphanet 268994, MedGen C1846385, MONDO:0011818, OMIM 607341, HP:0032051.
Tuberous sclerosis syndrome (TSC). Also called: Tuberous Sclerosis Complex; Tuberous sclerosis. Identifiers: Orphanet 805, MedGen C0041341, MONDO:0001734.

Submissions (6):

Ambry Genetics
Classification: Pathogenic for Hereditary cancer-predisposing syndrome. Last evaluated: 2025-07-28. Review status: criteria provided, single submitter. Criteria: Ambry Variant Classification Scheme 2023. Collection method: clinical testing. Allele origin: germline.
Comment: The p.Q781* pathogenic mutation (also known as c.2341C>T), located in coding exon 16 of the TSC1 gene, results from a C to T substitution at nucleotide position 2341. This changes the amino acid from a glutamine to a stop codon within coding exon 16. This alteration is expected to result in loss of function by premature protein truncation or nonsense-mediated mRNA decay. As such, this alteration is interpreted as a disease-causing mutation.

Victorian Clinical Genetics Services, Murdoch Childrens Research Institute
Classification: Pathogenic for Tuberous sclerosis 1. Last evaluated: 2025-07-24. Review status: criteria provided, single submitter. Criteria: ACMG Guidelines, 2015. Collection method: clinical testing. Allele origin: germline.
Comment: This variant is classified as Pathogenic. Evidence in support of pathogenic classification: Variant is predicted to cause nonsense-mediated decay (NMD) and loss of protein (premature termination codon is located at least 54 nucleotides upstream of the final exon-exon junction); Variant is absent from gnomAD (v2, v3 and v4); Other NMD-predicted variant(s) comparable to the one identified in this case have very strong previous evidence for pathogenicity (DECIPHER). Additional information: This variant is heterozygous; This gene is associated with autosomal dominant disease; Loss of function is a known mechanism of disease in this gene and is associated with tuberous sclerosis-1 (MIM#191100); Variants in this gene are known to have variable expressivity (OMIM).

Labcorp Genetics (formerly Invitae), Labcorp
Classification: Pathogenic for Tuberous sclerosis 1. Last evaluated: 2024-10-07. Review status: criteria provided, single submitter. Criteria: Invitae Variant Classification Sherloc (09022015). Collection method: clinical testing. Allele origin: germline.
Comment: This sequence change creates a premature translational stop signal (p.Gln781*) in the TSC1 gene. It is expected to result in an absent or disrupted protein product. Loss-of-function variants in TSC1 are known to be pathogenic (PMID: 10227394, 17304050). This variant is not present in population databases (gnomAD no frequency). This premature translational stop signal has been observed in individuals with tuberous sclerosis complex (PMID: 29500070, 32313033). ClinVar contains an entry for this variant (Variation ID: 48941). For these reasons, this variant has been classified as Pathogenic.

Blueprint Genetics
Classification: Pathogenic for TSC1-related disorders. Last evaluated: 2024-06-04. Review status: criteria provided, single submitter. Criteria: ACMG Guidelines, 2015. Collection method: clinical testing. Allele origin: germline. Affected: yes. Observed: 1 variant allele.

Center for Genomics, Ann and Robert H. Lurie Children's Hospital of Chicago
Classification: Pathogenic for Isolated focal cortical dysplasia type II; Tuberous sclerosis 1; Lymphangiomyomatosis. Review status: criteria provided, single submitter. Criteria: ACMG Guidelines, 2015. Collection method: clinical testing. Allele origin: germline.
Comment: TSC1 NM_000368.4 exon 18 p.Gln781* (c.2341C>T): This variant has been reported in several individuals with tuberous sclerosis in the Leiden Open-source Variation Database (LOVD). This variant is not present in large control databases but is present in ClinVar (Variation ID:48941). Evolutionary conservation and computational predictive tools for this variant are limited or unavailable. This variant is predicted to cause a stopgain at this codon, resulting in protein truncation or loss of allelic expression through nonsense-mediated mRNA decay. Loss of function variants are a known mechanism of disease for this gene (Rosset 2017 PMID:28222202). In summary, this variant is classified as pathogenic based on the data above.

Tuberous sclerosis database (TSC1)
No classification provided. Condition: TSC. Review status: no classification provided. Criteria: Tuberous Sclerosis Database Assertion Criteria 2015. Collection method: curation. Allele origin: germline. Affected: yes. Not counted in ClinVar's aggregate classification.

Literature cited by the submitters: PubMed 10227394 (cited by Labcorp Genetics (formerly Invitae), Labcorp); PubMed 17304050 (cited by Labcorp Genetics (formerly Invitae), Labcorp); PubMed 29500070 (cited by Labcorp Genetics (formerly Invitae), Labcorp); PubMed 32313033 (cited by Labcorp Genetics (formerly Invitae), Labcorp).